The following is an entry in ClinVar:

ClinVar aggregate classification (germline): Uncertain significance (1 of 4 stars; one submission).

Conditions:
Neuroblastoma, susceptibility to, 3. Also called: ALK-Related Neuroblastic Tumor Susceptibility. Identifiers: Orphanet 635, MedGen C2751681, MONDO:0013083, OMIM 613014.

Submission:

Labcorp Genetics (formerly Invitae), Labcorp
Classification: Uncertain significance for Neuroblastoma, susceptibility to, 3. Last evaluated: 2023-12-08. Review status: criteria provided, single submitter. Criteria: Invitae Variant Classification Sherloc (09022015). Collection method: clinical testing. Allele origin: germline.
Comment: This sequence change creates a premature translational stop signal (p.Tyr1584*) in the ALK gene. While this is not anticipated to result in nonsense mediated decay, it is expected to disrupt the last 37 amino acid(s) of the ALK protein. This variant is not present in population databases (gnomAD no frequency). This variant has not been reported in the literature in individuals affected with ALK-related conditions. Experimental studies and prediction algorithms are not available or were not evaluated, and the functional significance of this variant is currently unknown. In summary, the available evidence is currently insufficient to determine the role of this variant in disease. Therefore, it has been classified as a Variant of Uncertain Significance.

NM_004304.5(ALK):c.4752C>G (p.Tyr1584Ter)

Gene: ALK (ALK receptor tyrosine kinase; minus strand). Cytogenetic location: 2p23.2.
Variant type: single nucleotide variant.
Coding change: c.4752C>G on transcript NM_004304.5 (MANE Select); coding-DNA position 4752, C replaced by G.
Protein change: p.Tyr1584Ter; replaces tyrosine 1584 with a stop codon.
Molecular consequence: nonsense.
Genome position (GRCh38, 1-based): chr2:29,193,335, G>C on the plus strand (C>G on the coding strand, the complement: ALK is on the minus strand). VCF-style: chr2-29193335-G-C. GRCh37 (hg19) VCF-style: chr2-29416201-G-C.
Other names: c.1548C>G, p.Tyr516Ter (NM_001353765.2); short protein forms Y1584*, Y516*.
Identifiers: ClinVar variation 2701385 (VCV002701385.3), dbSNP rs758556216, ClinGen allele CA346460321.